The following is an entry in ClinVar:

ClinVar aggregate classification (germline): Conflicting classifications of pathogenicity. Review status: criteria provided, conflicting classifications (1 of 4 stars). 16 submissions from 16 submitters: Uncertain significance (1); Benign (3); Likely benign (9). 3 of the submissions do not count toward it. Last evaluated 2026-09-01.

Conditions:
Peripheral neuropathy-myopathy-hoarseness-hearing loss syndrome. Identifiers: Orphanet 397744, MedGen C3280556, MONDO:0013711, OMIM 614369.
Autosomal dominant nonsyndromic hearing loss 4A. Also called: Deafness, autosomal dominant 4A. Identifiers: Orphanet 90635, MedGen C1833503, MONDO:0010915, OMIM 600652.

Allele frequency attached by ClinVar (database versions not stated): 1000 Genomes Project 30x 0.00219; gnomAD exomes 0.00304 and 0.00381; 1000 Genomes Project 0.00240; ExAC 0.00286; gnomAD 0.00296 and 0.00303; TOPMed 0.00301.
gnomAD v4.1: 6,035 of 1,613,848 alleles (0.37%); highest among the groups gnomAD compares: Middle Eastern, 1.4%; 22 homozygotes.

Submissions (16):

CeGaT Center for Human Genetics Tuebingen
Classification: Benign. Last evaluated: 2026-09-01. Review status: criteria provided, single submitter. Criteria: CeGaT Center For Human Genetics Tuebingen Variant Classification Criteria Version 2. Collection method: clinical testing. Allele origin: germline. Affected: yes. Observed: 13 variant alleles.
Comment: MYH14: BS1, BS2

Labcorp Genetics (formerly Invitae), Labcorp
Classification: Likely benign. Last evaluated: 2026-01-15. Review status: criteria provided, single submitter. Criteria: Invitae Variant Classification Sherloc (09022015). Collection method: clinical testing. Allele origin: germline.

Blueprint Genetics
Classification: Likely benign. Last evaluated: 2024-11-27. Review status: criteria provided, single submitter. Criteria: ACMG Guidelines, 2015. Collection method: clinical testing. Allele origin: germline.

ARUP Laboratories, Molecular Genetics and Genomics, ARUP Laboratories
Classification: Benign. Last evaluated: 2023-10-26. Review status: criteria provided, single submitter. Criteria: ARUP Molecular Germline Variant Investigation Process 2024. Collection method: clinical testing. Allele origin: germline.

Molecular Genetics, Royal Melbourne Hospital
Classification: Likely benign for Peripheral neuropathy-myopathy-hoarseness-hearing loss syndrome. Last evaluated: 2023-05-04. Review status: criteria provided, single submitter. Criteria: ACMG Guidelines, 2015. Collection method: clinical testing. Allele origin: germline. Affected: yes.
Comment: European Non-Finnish population allele frequency is 0.3994% (rs119103280, 511/127.956 alleles, 1 homozygotes in gnomAD v2.1). Based on the classification scheme RMH Modified ACMG/AMP Guidelines v1.5.1, this variant is classified as LIKELY BENIGN. Following criteria are met: BS1

Mayo Clinic Laboratories, Mayo Clinic
Classification: Likely benign. Last evaluated: 2022-10-07. Review status: criteria provided, single submitter. Criteria: ACMG Guidelines, 2015. Collection method: clinical testing. Allele origin: germline. Observed: 7 variant alleles.
Comment: BS1, BS2, PP3_moderate

GeneDx
Classification: Likely benign. Last evaluated: 2020-02-21. Review status: criteria provided, single submitter. Criteria: GeneDx Variant Classification Process June 2021. Collection method: clinical testing. Allele origin: germline. Affected: yes.
Comment: This variant is associated with the following publications: (PMID: 27391121, 25262649, 30622556, 15015131, 27884173, 25098841, 30245029, 31898538)

Athena Diagnostics
Classification: Likely benign. Last evaluated: 2019-07-08. Review status: criteria provided, single submitter. Criteria: Athena Diagnostics Criteria. Collection method: clinical testing. Allele origin: germline.

Genomic Research Center, Shahid Beheshti University of Medical Sciences
Classification: Likely benign. Last evaluated: 2019-04-27. Review status: criteria provided, single submitter. Criteria: ACMG Guidelines, 2015. Collection method: clinical testing. Allele origin: unknown. Affected: no.

Laboratory for Molecular Medicine, Mass General Brigham Personalized Medicine
Classification: Benign. Last evaluated: 2017-07-05. Review status: criteria provided, single submitter. Criteria: LMM Criteria. Collection method: clinical testing. Allele origin: germline. Observed: 19 variant alleles.
Comment: p.Gly384Cys in exon 11 of MYH14: This variant is not expected to have clinical s ignificance, because it has been identified in 1.3% (136/10142) of Ashkenazi Jew ish chromosomes including 1 homozygote by the Genome Aggregation Database (gnomA D; dbSNP rs119103280). Although this variant has been reported as a de novo variant in one individual with moderate sensorine ural hearing loss (Donaudy 2004), the evidence is not sufficient to establish ca usality.

Illumina Laboratory Services, Illumina
Classification: Uncertain significance for Autosomal dominant nonsyndromic hearing loss 4A. Last evaluated: 2017-04-27. Review status: criteria provided, single submitter. Criteria: ICSL Variant Classification Criteria 13 December 2019. Collection method: clinical testing. Allele origin: germline.
Comment: This variant was observed as part of a predisposition screen in an ostensibly healthy population. A literature search was performed for the gene, cDNA change, and amino acid change (where applicable). Publications were found based on this search. However, the evidence from the literature, in combination with allele frequency data from public databases where available, was not sufficient to rule this variant in or out of causing disease. Therefore, this variant is classified as a variant of unknown significance.

Center for Pediatric Genomic Medicine, Children's Mercy Hospital and Clinics
Classification: Likely benign. Last evaluated: 2017-01-05. Review status: criteria provided, single submitter. Criteria: ACMG Guidelines, 2015. Collection method: clinical testing. Allele origin: germline.
ClinVar note: Converted during submission from Likely Benign to Likely benign.

Eurofins Ntd Llc (ga)
Classification: Likely benign. Last evaluated: 2016-09-13. Review status: criteria provided, single submitter. Criteria: EGL Classification Definitions 2015. Collection method: clinical testing. Allele origin: germline. Observed: 3 variant alleles, 3 heterozygotes.

OMIM
Classification: Pathogenic for DEAFNESS, AUTOSOMAL DOMINANT 4A. Last evaluated: 2004-04-01. Review status: no assertion criteria provided. Collection method: literature only. Allele origin: germline. Not counted in ClinVar's aggregate classification.

Clinical Genetics DNA and cytogenetics Diagnostics Lab, Erasmus MC, Erasmus Medical Center
Classification: Likely benign. Review status: no assertion criteria provided. Collection method: clinical testing. Allele origin: germline. Affected: yes. Study: VKGL Data-share Consensus. Not counted in ClinVar's aggregate classification.

Clinical Genetics, Academic Medical Center
Classification: Likely benign. Review status: no assertion criteria provided. Collection method: clinical testing. Allele origin: germline. Affected: yes. Study: VKGL Data-share Consensus. Not counted in ClinVar's aggregate classification.

Literature cited by the submitters: PubMed 15015131 (cited by 4 submitters).

NM_001145809.2(MYH14):c.1150G>T (p.Gly384Cys)

Gene: MYH14 (myosin heavy chain 14; plus strand). Cytogenetic location: 19q13.33.
Variant type: single nucleotide variant.
Coding change: c.1150G>T on transcript NM_001145809.2 (MANE Select); coding-DNA position 1150, G replaced by T.
Protein change: p.Gly384Cys; replaces glycine 384 with cysteine.
Molecular consequence: missense variant.
Genome position (GRCh38, 1-based): chr19:50,244,277, G>T. VCF-style: chr19-50244277-G-T. GRCh37 (hg19) VCF-style: chr19-50747534-G-T.
Other names: p.Gly376Cys; c.1150G>T, p.Gly384Cys (NM_001077186.2); c.1126G>T, p.Gly376Cys (NM_024729.4); short protein forms G376C, G384C.
Identifiers: ClinVar variation 2199 (VCV000002199.66), dbSNP rs119103280, ClinGen allele CA133457.